The following is an entry in ClinVar:

NM_001042750.2(STAG2):c.2300T>G (p.Val767Gly)

Gene: STAG2 (STAG2 cohesin complex component; plus strand). Cytogenetic location: Xq25.
Variant type: single nucleotide variant.
Coding change: c.2300T>G on transcript NM_001042750.2 (MANE Select); coding-DNA position 2300, T replaced by G.
Protein change: p.Val767Gly; replaces valine 767 with glycine.
Molecular consequence: missense variant.
Genome position (GRCh38, 1-based): chrX:124,068,598, T>G. VCF-style: chrX-124068598-T-G. GRCh37 (hg19) VCF-style: chrX-123202448-T-G.
Other names: c.2300T>G, p.Val767Gly (NM_001042749.2, NM_001042751.2, NM_001282418.2 and 13 more transcripts); short protein forms V767G.
Identifiers: ClinVar variation 2783723 (VCV002783723.4), dbSNP rs2521963623, ClinGen allele CA414275116.
Genomic context (GRCh38, chrX:124,068,598, plus strand): 5'-AAAAGTTAATGTTAAATTTTTTCAAGGAGGACTTGCTGCGTTTAAAGAAACAAATGAGAG[T>G]ATTTTGTCAGATATGTCAACATTACCTGACCAACGTGAATACTACTGTTAAGGAACAGGT-3'
Protein context (NP_001036215.1, residues 757-777): DLLRLKKQMR[Val767Gly]FCQICQHYLT

ClinVar aggregate classification (germline): Uncertain significance. Review status: criteria provided, multiple submitters, no conflicts (2 of 4 stars). 2 submissions from 2 submitters: Uncertain significance (2). Last evaluated 2025-03-25.

Submissions (2):

GeneDx
Classification: Uncertain significance. Last evaluated: 2025-03-25. Review status: criteria provided, single submitter. Criteria: GeneDx Variant Classification Process June 2021. Collection method: clinical testing. Allele origin: germline. Affected: yes.
Comment: Not observed at significant frequency in large population cohorts (gnomAD); In silico analysis indicates that this missense variant does not alter protein structure/function; Has not been previously published as pathogenic or benign to our knowledge

Labcorp Genetics (formerly Invitae), Labcorp
Classification: Uncertain significance. Last evaluated: 2023-09-25. Review status: criteria provided, single submitter. Criteria: Invitae Variant Classification Sherloc (09022015). Collection method: clinical testing. Allele origin: germline.
Comment: In summary, the available evidence is currently insufficient to determine the role of this variant in disease. Therefore, it has been classified as a Variant of Uncertain Significance. This variant has not been reported in the literature in individuals affected with STAG2-related conditions. This variant is not present in population databases (gnomAD no frequency). This sequence change replaces valine, which is neutral and non-polar, with glycine, which is neutral and non-polar, at codon 767 of the STAG2 protein (p.Val767Gly). Advanced modeling of protein sequence and biophysical properties (such as structural, functional, and spatial information, amino acid conservation, physicochemical variation, residue mobility, and thermodynamic stability) performed at Invitae indicates that this missense variant is not expected to disrupt STAG2 protein function.